The following is an entry in ClinVar:

ClinVar aggregate classification (germline): Uncertain significance. Review status: criteria provided, multiple submitters, no conflicts (2 of 4 stars). 3 submissions from 3 submitters: Uncertain significance (2). 1 of the submissions does not count toward it. Last evaluated 2022-07-05.

Conditions:
Mucopolysaccharidosis, MPS-II (MPS2). Also called: IDURONATE 2-SULFATASE DEFICIENCY; Mucopolysaccharidosis Type II; Mucopolysaccharidosis with skin involvement; IDS deficiency; Sulfoiduronate sulfatase deficiency; SIDS deficiency. Identifiers: Orphanet 580, Orphanet 79388, MedGen C0026705, MONDO:0010674, OMIM 309900.
Mucopolysaccharidosis, MPS-III-A (MPS3A). Also called: mucopolysaccharidosis type 3A; MPS IIIA (Sanfilippo Syndrome Type A); HEPARAN SULFATE SULFATASE DEFICIENCY; MUCOPOLYSACCHARIDOSIS, TYPE IIIA, ATTENUATED; Mucopolysaccharidosis type IIIA (Sanfilippo A); Mucopolysaccharidosis, type IIIA. Identifiers: Orphanet 581, Orphanet 79269, MedGen C0086647, MONDO:0009655, OMIM 252900.
Inborn genetic diseases. Identifiers: MedGen C0950123, MeSH D030342.

Allele frequency attached by ClinVar (database versions not stated): gnomAD exomes below 0.00001.

Submissions (3):

Labcorp Genetics (formerly Invitae), Labcorp
Classification: Uncertain significance for Mucopolysaccharidosis, MPS-II. Last evaluated: 2022-07-05. Review status: criteria provided, single submitter. Criteria: Invitae Variant Classification Sherloc (09022015). Collection method: clinical testing. Allele origin: germline.
Comment: This sequence change replaces aspartic acid, which is acidic and polar, with asparagine, which is neutral and polar, at codon 320 of the IDS protein (p.Asp320Asn). This variant is not present in population databases (gnomAD no frequency). This variant has not been reported in the literature in individuals affected with IDS-related conditions. ClinVar contains an entry for this variant (Variation ID: 985084). Algorithms developed to predict the effect of missense changes on protein structure and function (SIFT, PolyPhen-2, Align-GVGD) all suggest that this variant is likely to be tolerated. In summary, the available evidence is currently insufficient to determine the role of this variant in disease. Therefore, it has been classified as a Variant of Uncertain Significance.

Ambry Genetics
Classification: Uncertain significance for Inborn genetic diseases. Last evaluated: 2018-02-01. Review status: criteria provided, single submitter. Criteria: Ambry exome assertion method (8-5-2015). Collection method: clinical testing. Allele origin: germline. Affected: yes. Observed: 1 variant allele.

Natera, Inc.
Classification: Uncertain significance for Mucopolysaccharidosis type IIIA. Last evaluated: 2020-07-27. Review status: no assertion criteria provided. Collection method: clinical testing. Allele origin: germline. Not counted in ClinVar's aggregate classification.

NM_000202.8(IDS):c.958G>A (p.Asp320Asn)

Genes: IDS (iduronate 2-sulfatase; minus strand), LOC106050102 (IDS recombination region; plus strand). Cytogenetic location: Xq28.
Variant type: single nucleotide variant.
Coding change: c.958G>A on transcript NM_000202.8 (MANE Select); coding-DNA position 958, G replaced by A.
Protein change: p.Asp320Asn; replaces aspartic acid 320 with asparagine.
Molecular consequence: missense variant. On other transcripts: non-coding transcript variant (1).
Genome position (GRCh38, 1-based): chrX:149,490,362, C>T on the plus strand (G>A on the coding strand, the complement: IDS is on the minus strand). VCF-style: chrX-149490362-C-T. GRCh37 (hg19) VCF-style: chrX-148571893-C-T.
Other names: c.688G>A, p.Asp230Asn (NM_001166550.4); c.958G>A, p.Asp320Asn (NM_006123.5); short protein forms D230N, D320N.
Identifiers: ClinVar variation 985084 (VCV000985084.9), dbSNP rs2089379111, ClinGen allele CA414520099.